The following is an entry in ClinVar:

ClinVar aggregate classification (germline): Pathogenic (1 of 4 stars; one submission).

Conditions:
Neurofibromatosis, type 1 (NF1). Also called: Peripheral type neurofibromatosis; VON RECKLINGHAUSEN DISEASE; NEUROFIBROMATOSIS, TYPE I, SOMATIC; Neurofibromatosis, type I. Identifiers: Orphanet 636, MedGen C0027831, MONDO:0018975, OMIM 162200. Disease mechanism: loss of function.

Submission:

Labcorp Genetics (formerly Invitae), Labcorp
Classification: Pathogenic for Neurofibromatosis, type 1. Last evaluated: 2024-06-05. Review status: criteria provided, single submitter. Criteria: Invitae Variant Classification Sherloc (09022015). Collection method: clinical testing. Allele origin: germline.
Comment: This sequence change creates a premature translational stop signal (p.Phe2367Leufs*8) in the NF1 gene. It is expected to result in an absent or disrupted protein product. Loss-of-function variants in NF1 are known to be pathogenic (PMID: 10712197, 23913538). This variant is not present in population databases (gnomAD no frequency). This variant has not been reported in the literature in individuals affected with NF1-related conditions. For these reasons, this variant has been classified as Pathogenic.

Literature cited by the submitters: PubMed 10712197; PubMed 23913538.

NM_001042492.3(NF1):c.7164del (p.Phe2388fs)

Gene: NF1 (neurofibromin 1; plus strand). Cytogenetic location: 17q11.2.
Variant type: Deletion.
Coding change: c.7164del on transcript NM_001042492.3 (MANE Select); coding-DNA position 7164, one base deleted (T; older notation c.7164delT).
Protein change: p.Phe2388fs; shifts the reading frame from phenylalanine 2388.
Molecular consequence: frameshift variant.
Genome position (GRCh38, 1-based): chr17:31,343,110, T deleted; the last of 3 consecutive T bases (chr17:31,343,108-31,343,110); deleting any one gives the same sequence. VCF-style (leftmost placement, unchanged base first): chr17-31343107-CT-C. GRCh37 (hg19) VCF-style: chr17-29670125-CT-C.
Other names: c.7101delT, p.Phe2367Leufs (NM_000267.4); short protein forms F2367fs, F2388fs.
Identifiers: ClinVar variation 3655712 (VCV003655712.2).